The following is an entry in ClinVar:

NM_001042492.3(NF1):c.4431-46G>C

Gene: NF1 (neurofibromin 1; plus strand). Cytogenetic location: 17q11.2.
Variant type: single nucleotide variant.
Coding change: c.4431-46G>C on transcript NM_001042492.3 (MANE Select); 46 bases into the intron before coding-DNA position 4431, G replaced by C.
Molecular consequence: intron variant.
Genome position (GRCh38, 1-based): chr17:31,260,323, G>C. VCF-style: chr17-31260323-G-C. GRCh37 (hg19) VCF-style: chr17-29587341-G-C.
Other names: c.4368-46G>C (NM_000267.4).
Identifiers: ClinVar variation 257290 (VCV000257290.5), dbSNP rs17881285, ClinGen allele CA8486410.

ClinVar aggregate classification (germline): Benign. Review status: criteria provided, multiple submitters, no conflicts (2 of 4 stars). 5 submissions from 4 submitters: Benign (5). Last evaluated 2025-02-01.

Conditions:
Neurofibromatosis, familial spinal (FSNF). Identifiers: Orphanet 636, MedGen C1834235, MONDO:0008078, OMIM 162210. Disease mechanism: loss of function.
Neurofibromatosis, type 1 (NF1). Also called: NEUROFIBROMATOSIS, TYPE I, SOMATIC; Neurofibromatosis, type I; VON RECKLINGHAUSEN DISEASE; Peripheral type neurofibromatosis. Identifiers: Orphanet 636, MedGen C0027831, MONDO:0018975, OMIM 162200. Disease mechanism: loss of function.

Allele frequency attached by ClinVar (database versions not stated): 1000 Genomes Project 30x 0.02701; 1000 Genomes Project 0.02716; TOPMed 0.04663; ExAC 0.05297; ESP Exome Variant Server 0.05513; gnomAD 0.05624.
gnomAD v4.1: 102,410 of 1,584,532 alleles (6.5%); highest among the groups gnomAD compares: Non-Finnish European, 7.3%; 3,718 homozygotes.

Submissions (5):

KCCC/NGS Laboratory, Kuwait Cancer Control Center
Classification: Benign for Neurofibromatosis, type 1. Last evaluated: 2025-02-01. Review status: criteria provided, single submitter. Criteria: ACMG Guidelines, 2015. Collection method: clinical testing. Allele origin: germline. Affected: no.

KCCC/NGS Laboratory, Kuwait Cancer Control Center
Classification: Benign for Neurofibromatosis, familial spinal. Last evaluated: 2023-07-07. Review status: criteria provided, single submitter. Criteria: ACMG Guidelines, 2015. Collection method: clinical testing. Allele origin: germline. Affected: yes.

GeneDx
Classification: Benign. Last evaluated: 2018-06-13. Review status: criteria provided, single submitter. Criteria: GeneDx Variant Classification (06012015). Collection method: clinical testing. Allele origin: germline. Affected: yes.
Comment: This variant is considered likely benign or benign based on one or more of the following criteria: it is a conservative change, it occurs at a poorly conserved position in the protein, it is predicted to be benign by multiple in silico algorithms, and/or has population frequency not consistent with disease.

Breakthrough Genomics
Classification: Benign. Review status: criteria provided, single submitter. Criteria: ACMG Guidelines, 2015. Collection method: not provided. Allele origin: germline. Inheritance: Autosomal dominant inheritance. Affected: yes.

PreventionGenetics, part of Exact Sciences
Classification: Benign. Review status: criteria provided, single submitter. Criteria: ACMG Guidelines, 2015. Collection method: clinical testing. Allele origin: germline.